The following is an entry in ClinVar:

NM_000454.5(SOD1):c.218G>A (p.Gly73Asp)

Gene: SOD1 (superoxide dismutase 1; plus strand). Cytogenetic location: 21q22.11.
Variant type: single nucleotide variant.
Coding change: c.218G>A on transcript NM_000454.5 (MANE Select); coding-DNA position 218, G replaced by A.
Protein change: p.Gly73Asp; replaces glycine 73 with aspartic acid.
Molecular consequence: missense variant.
Genome position (GRCh38, 1-based): chr21:31,666,497, G>A. VCF-style: chr21-31666497-G-A. GRCh37 (hg19) VCF-style: chr21-33038810-G-A.
Other names: short protein forms G73D.
Identifiers: ClinVar variation 4687924 (VCV004687924.1).

ClinVar aggregate classification (germline): Pathogenic (1 of 4 stars; one submission).

Conditions:
Spastic tetraplegia and axial hypotonia, progressive. Also called: SOD1 DEFICIENCY, AUTOSOMAL RECESSIVE. Identifiers: MedGen C5231422, MONDO:0032828, OMIM 618598.

Submission:

Human Genetics Bochum, Ruhr University Bochum
Classification: Pathogenic for Spastic tetraplegia and axial hypotonia, progressive. Last evaluated: 2025-06-03. Review status: criteria provided, single submitter. Criteria: ACMG Guidelines, 2015. Collection method: clinical testing. Allele origin: germline. Affected: yes.
Comment: in homozygous state; ACMG criteria used to clasify this variant: PM1, PM3, PM5, PP3_MOD, PM2_SUP, PP2